The following is an entry in ClinVar:

ClinVar aggregate classification (germline): Likely benign. Review status: criteria provided, multiple submitters, no conflicts (2 of 4 stars). 2 submissions from 2 submitters: Likely benign (2). Last evaluated 2026-06-23.

Conditions:
ADGRV1-related disorder. Also called: ADGRV1-related disorders; ADGRV1-related condition.

Allele frequency attached by ClinVar (database versions not stated): gnomAD exomes below 0.00001; ExAC 0.00001.

Submissions (2):

PreventionGenetics, part of Exact Sciences
Classification: Likely benign for ADGRV1-related condition. Last evaluated: 2026-06-23. Review status: criteria provided, single submitter. Criteria: ACMG Guidelines, 2015. Collection method: clinical testing. Allele origin: germline.
Comment: This variant is classified as likely benign based on ACMG/AMP sequence variant interpretation guidelines (Richards et al. 2015 PMID: 25741868, with internal and published modifications).

Labcorp Genetics (formerly Invitae), Labcorp
Classification: Likely benign. Last evaluated: 2022-04-08. Review status: criteria provided, single submitter. Criteria: Invitae Variant Classification Sherloc (09022015). Collection method: clinical testing. Allele origin: germline.

NM_032119.4(ADGRV1):c.2547A>T (p.Ile849=)

Gene: ADGRV1 (adhesion G protein-coupled receptor V1; plus strand). Cytogenetic location: 5q14.3.
Variant type: single nucleotide variant.
Coding change: c.2547A>T on transcript NM_032119.4 (MANE Select); coding-DNA position 2547, A replaced by T.
Protein change: p.Ile849=; no amino-acid change (isoleucine 849 retained).
Molecular consequence: synonymous variant. On other transcripts: non-coding transcript variant (1).
Genome position (GRCh38, 1-based): chr5:90,643,035, A>T. VCF-style: chr5-90643035-A-T. GRCh37 (hg19) VCF-style: chr5-89938852-A-T.
Other names: c.2547A>T (NM_032119.3).
Identifiers: ClinVar variation 1609521 (VCV001609521.9), dbSNP rs776933696, ClinGen allele CA3338955.
Genomic context (GRCh38, chr5:90,643,035, plus strand): 5'-AGAATTTAAACCTGGAGAAAGGGAGATAGTGATCACCTTGCTAGCAAGATTGGATGGGAT[A>T]CCAGAGGTATGGGATTTTATATTTTCTTTGTGTTTCTCTGTAAGATTGATAGTATTTGGT-3'
Protein context (NP_115495.3, residues 839-859): VITLLARLDG[Ile849=]PELDEHYWVV